The following is an entry in ClinVar:

NM_001083619.3(GRIA2):c.1667G>A (p.Gly556Glu)

Gene: GRIA2 (glutamate ionotropic receptor AMPA type subunit 2; plus strand). Cytogenetic location: 4q32.1.
Variant type: single nucleotide variant.
Coding change: c.1667G>A on transcript NM_001083619.3 (MANE Select); coding-DNA position 1667, G replaced by A.
Protein change: p.Gly556Glu; replaces glycine 556 with glutamic acid.
Molecular consequence: missense variant.
Genome position (GRCh38, 1-based): chr4:157,336,570, G>A. VCF-style: chr4-157336570-G-A. GRCh37 (hg19) VCF-style: chr4-158257722-G-A.
Other names: c.1667G>A, p.Gly556Glu (NM_000826.6); c.1526G>A, p.Gly509Glu (NM_001083620.3, NM_001379000.3, NM_001379001.3); short protein forms G509E, G556E.
Identifiers: ClinVar variation 2692488 (VCV002692488.1), dbSNP rs2530754438, ClinGen allele CA358648316.

ClinVar aggregate classification (germline): Likely pathogenic (1 of 4 stars; one submission).

Conditions:
Neurodevelopmental disorder with language impairment and behavioral abnormalities. Also called: GRIA2-related neurodevelopmental disorder. Identifiers: MedGen C5394502, MONDO:0030060, OMIM 618917.

Submission:

Greenwood Genetic Center Diagnostic Laboratories, Greenwood Genetic Center
Classification: Likely pathogenic for Neurodevelopmental disorder with language impairment and behavioral abnormalities. Last evaluated: 2023-12-04. Review status: criteria provided, single submitter. Criteria: ACMG Guidelines, 2015. Collection method: clinical testing. Allele origin: germline. Affected: yes.
Comment: PS2, PM2, PP2, PP3